The following is an entry in ClinVar:

ClinVar aggregate classification (germline): Uncertain significance (1 of 4 stars; one submission).

Conditions:
Hypertrophic cardiomyopathy. Also called: HYPERTROPHIC MYOCARDIOPATHY. Identifiers: Orphanet 217569, MedGen C0007194, MeSH D002312, MONDO:0005045, HP:0001639.

Allele frequency attached by ClinVar (database versions not stated): ExAC 0.00001; gnomAD exomes 0.00002; TOPMed 0.00003; ESP Exome Variant Server 0.00008.
gnomAD v4.1: 58 of 1,613,702 alleles (0.0036%); highest among the groups gnomAD compares: Admixed American, 0.005%; no homozygotes.

Submission:

Labcorp Genetics (formerly Invitae), Labcorp
Classification: Uncertain significance for Hypertrophic cardiomyopathy. Last evaluated: 2025-10-29. Review status: criteria provided, single submitter. Criteria: Invitae Variant Classification Sherloc (09022015). Collection method: clinical testing. Allele origin: germline.
Comment: This sequence change replaces serine, which is neutral and polar, with leucine, which is neutral and non-polar, at codon 1605 of the MYOM1 protein (p.Ser1605Leu). This variant is present in population databases (rs373194302, gnomAD 0.007%). This variant has not been reported in the literature in individuals affected with MYOM1-related conditions. ClinVar contains an entry for this variant (Variation ID: 1464703). Invitae Evidence Modeling of protein sequence and biophysical properties (such as structural, functional, and spatial information, amino acid conservation, physicochemical variation, residue mobility, and thermodynamic stability) indicates that this missense variant is not expected to disrupt MYOM1 protein function with a negative predictive value of 80%. In summary, the available evidence is currently insufficient to determine the role of this variant in disease. Therefore, it has been classified as a Variant of Uncertain Significance.

NM_003803.4(MYOM1):c.4814C>T (p.Ser1605Leu)

Gene: MYOM1 (myomesin 1; minus strand). Cytogenetic location: 18p11.31.
Variant type: single nucleotide variant.
Coding change: c.4814C>T on transcript NM_003803.4 (MANE Select); coding-DNA position 4814, C replaced by T.
Protein change: p.Ser1605Leu; replaces serine 1605 with leucine.
Molecular consequence: missense variant.
Genome position (GRCh38, 1-based): chr18:3,067,506, G>A on the plus strand (C>T on the coding strand, the complement: MYOM1 is on the minus strand). VCF-style: chr18-3067506-G-A. GRCh37 (hg19) VCF-style: chr18-3067504-G-A.
Other names: c.4526C>T, p.Ser1509Leu (NM_019856.2); short protein forms S1509L, S1605L.
Identifiers: ClinVar variation 1464703 (VCV001464703.8), dbSNP rs373194302, ClinGen allele CA8873755.
Genomic context (GRCh38, chr18:3,067,506, plus strand): 5'-GCCTCGAACTTGAGGTTGCAGTGGTCGTCTGAGGCCAGGGCCTTCTCGTTCTTCAACCAC[G>A]ACACCTCCGGAGGCGGGTCTCCCCACACGTTGCAAGTGAGATTAAGGGCCTGCAAGACAG-3'
Protein context (NP_003794.3, residues 1595-1615): NVWGDPPPEV[Ser1605Leu]WLKNEKALAS